The following is an entry in ClinVar:

NM_000213.5(ITGB4):c.600dup (p.Phe201fs)

Gene: ITGB4 (integrin subunit beta 4; plus strand). Cytogenetic location: 17q25.1.
Variant type: Duplication.
Coding change: c.600dup on transcript NM_000213.5 (MANE Select); coding-DNA position 600, one base duplicated (C; older notation c.600dupC).
Protein change: p.Phe201fs; shifts the reading frame from phenylalanine 201.
Molecular consequence: frameshift variant.
Genome position (GRCh38, 1-based): chr17:75,729,298, C duplicated; the last of 7 consecutive C bases (chr17:75,729,292-75,729,298); duplicating any one gives the same sequence. VCF-style (leftmost placement, unchanged base first): chr17-75729291-A-AC. GRCh37 (hg19) VCF-style: chr17-73725372-A-AC.
Other names: c.600dupC (NM_000213.3); c.600dup, p.Phe201Leufs (NM_001005619.2); c.600dup, p.Phe201fs (NM_001005731.3, NM_001321123.2); short protein forms F201fs.
Identifiers: ClinVar variation 279814 (VCV000279814.10), dbSNP rs752657203, ClinGen allele CA8768725.

ClinVar aggregate classification (germline): Pathogenic. Review status: criteria provided, multiple submitters, no conflicts (2 of 4 stars). 4 submissions from 4 submitters: Pathogenic (4). Last evaluated 2024-11-18.

Conditions:
Epidermolysis bullosa, junctional 5A, intermediate. Also called: EPIDERMOLYSIS BULLOSA, JUNCTIONAL 5A, GENERALIZED INTERMEDIATE; EPIDERMOLYSIS BULLOSA, JUNCTIONAL 5A, NON-HERLITZ TYPE. Identifiers: MedGen C5676956, MONDO:0030768, OMIM 619816.
Junctional epidermolysis bullosa with pyloric atresia. Also called: ITGB4-Related Epidermolysis Bullosa with Pyloric Atresia; ITGA6-Related Epidermolysis Bullosa with Pyloric Atresia; Epidermolysis bullosa, junctional, with pyloric atresia and aplasia cutis congenita; Epidermolysis bullosa junctionalis with pyloric atresia; APLASIA CUTIS CONGENITA WITH GASTROINTESTINAL ATRESIA; CARMI SYNDROME. Identifiers: Orphanet 79403, MedGen C5676875, MONDO:0009183, OMIM 226730.

Submissions (4):

Institute of Medical Genetics and Applied Genomics, University Hospital Tübingen
Classification: Pathogenic for Junctional epidermolysis bullosa with pyloric atresia. Last evaluated: 2024-11-18. Review status: criteria provided, single submitter. Criteria: ACMG Guidelines, 2015. Collection method: clinical testing. Allele origin: germline. Inheritance: Autosomal recessive inheritance. Affected: yes.

Labcorp Genetics (formerly Invitae), Labcorp
Classification: Pathogenic. Last evaluated: 2023-10-18. Review status: criteria provided, single submitter. Criteria: Invitae Variant Classification Sherloc (09022015). Collection method: clinical testing. Allele origin: germline.
Comment: This sequence change creates a premature translational stop signal (p.Phe201Leufs*15) in the ITGB4 gene. It is expected to result in an absent or disrupted protein product. Loss-of-function variants in ITGB4 are known to be pathogenic (PMID: 11328943, 16473856). This variant is present in population databases (rs752657203, gnomAD 0.007%). This premature translational stop signal has been observed in individual(s) with autosomal recessive epidermolysis bullosa with or without pyloric atresia (PMID: 15009117, 30011071). This variant is also known as 600insC. ClinVar contains an entry for this variant (Variation ID: 279814). Algorithms developed to predict the effect of sequence changes on RNA splicing suggest that this variant may create or strengthen a splice site. For these reasons, this variant has been classified as Pathogenic.

GeneDx
Classification: Pathogenic. Last evaluated: 2022-11-04. Review status: criteria provided, single submitter. Criteria: GeneDx Variant Classification Process June 2021. Collection method: clinical testing. Allele origin: germline. Affected: yes.
Comment: Observed multiple times with another variant in unrelated patients referred for genetic testing at GeneDx or in published literature with epidermolysis bullosa with or without pyloric atresia, but it is not known whether the variants occurred on the same (in cis) or on different (in trans) chromosomes in some cases (Masunaga et al., 2004; Zhou et al., 2021); Frameshift variant predicted to result in protein truncation or nonsense mediated decay in a gene for which loss of function is a known mechanism of disease; Also known as c.594insC; This variant is associated with the following publications: (PMID: 34997808, 21969027, 30011071, 15009117, 34462954)

Dr.Nikuei Genetic Center
Classification: Pathogenic for Epidermolysis bullosa, junctional 5A, intermediate. Review status: criteria provided, single submitter. Criteria: ACMG Guidelines, 2015. Collection method: clinical testing. Allele origin: germline. Inheritance: Autosomal recessive inheritance. Affected: yes. Observed: 1 homozygote.

Literature cited by the submitters: PubMed 11328943 (cited by Labcorp Genetics (formerly Invitae), Labcorp); PubMed 16473856 (cited by Labcorp Genetics (formerly Invitae), Labcorp); PubMed 15009117 (cited by Labcorp Genetics (formerly Invitae), Labcorp); PubMed 30011071 (cited by Labcorp Genetics (formerly Invitae), Labcorp).